The following is an entry in ClinVar:

NM_000051.4(ATM):c.1612_1613delinsTT (p.Ala538Leu)

Gene: ATM (ATM serine/threonine kinase; plus strand). Cytogenetic location: 11q22.3.
Variant type: Indel.
Coding change: c.1612_1613delinsTT on transcript NM_000051.4 (MANE Select); coding-DNA positions 1612 to 1613, GC replaced by TT.
Protein change: p.Ala538Leu; replaces alanine 538 with leucine.
Molecular consequence: missense variant.
Genome position (GRCh38, 1-based): chr11:108,251,841-108,251,842, GC replaced by TT. VCF-style: chr11-108251841-GC-TT. GRCh37 (hg19) VCF-style: chr11-108122568-GC-TT.
Other names: c.1612_1613delGCinsTT (NM_000051.3); c.1612_1613delinsTT, p.Ala538Leu (NM_001351834.2); short protein forms A538L.
Identifiers: ClinVar variation 921140 (VCV000921140.12), dbSNP rs2080163350, ClinGen allele CA913188410.

ClinVar aggregate classification (germline): Uncertain significance. Review status: criteria provided, multiple submitters, no conflicts (2 of 4 stars). 3 submissions from 3 submitters: Uncertain significance (3). Last evaluated 2024-04-02.

Conditions:
Hereditary cancer-predisposing syndrome. Also called: Hereditary Cancer Syndrome; Hereditary neoplastic syndrome; Neoplastic Syndromes, Hereditary; Tumor predisposition. Identifiers: Orphanet 140162, MedGen C0027672, MeSH D009386, MONDO:0015356.
Ataxia-telangiectasia syndrome (AT). Also called: Ataxia-telangiectasia, complementation group E; LOUIS-BAR SYNDROME; Cerebello-oculocutaneous telangiectasia; Immunodeficiency with ataxia telangiectasia; Ataxia-telangiectasia, complementation group D; AT, COMPLEMENTATION GROUP C. Identifiers: Orphanet 100, MedGen C0004135, MONDO:0008840, OMIM 208900.

Submissions (3):

Labcorp Genetics (formerly Invitae), Labcorp
Classification: Uncertain significance for Ataxia-telangiectasia syndrome. Last evaluated: 2024-04-02. Review status: criteria provided, single submitter. Criteria: Invitae Variant Classification Sherloc (09022015). Collection method: clinical testing. Allele origin: germline.
Comment: This sequence change replaces alanine, which is neutral and non-polar, with leucine, which is neutral and non-polar, at codon 538 of the ATM protein (p.Ala538Leu). Information on the frequency of this variant in the gnomAD database is not available, as this variant may be reported differently in the database. This variant has not been reported in the literature in individuals affected with ATM-related conditions. ClinVar contains an entry for this variant (Variation ID: 921140). An algorithm developed to predict the effect of missense changes on protein structure and function (PolyPhen-2) suggests that this variant is likely to be tolerated. In summary, the available evidence is currently insufficient to determine the role of this variant in disease. Therefore, it has been classified as a Variant of Uncertain Significance.

Color Diagnostics, LLC DBA Color Health
Classification: Uncertain significance for Hereditary cancer-predisposing syndrome. Last evaluated: 2023-12-05. Review status: criteria provided, single submitter. Criteria: ACMG Guidelines, 2015. Collection method: clinical testing. Allele origin: germline.
Comment: This missense variant replaces alanine with leucine at codon 538 of the ATM protein. To our knowledge, functional studies have not been reported for this variant. This variant has not been reported in individuals affected with ATM-related disorders in the literature. This variant has not been identified in the general population by the Genome Aggregation Database (gnomAD). The available evidence is insufficient to determine the role of this variant in disease conclusively. Therefore, this variant is classified as a Variant of Uncertain Significance.

Ambry Genetics
Classification: Uncertain significance for Hereditary cancer-predisposing syndrome. Last evaluated: 2020-03-24. Review status: criteria provided, single submitter. Criteria: Ambry Variant Classification Scheme 2023. Collection method: clinical testing. Allele origin: germline.
Comment: The c.1612_1613delGCinsTT variant (also known as p.A538L), located in coding exon 10 of the ATM gene, results from an in-frame deletion of GC and insertion of TT at nucleotide positions 1612 to 1613. The alanine at codon 538 is replaced by leucine, an amino acid with similar properties. This amino acid position is not well conserved in available vertebrate species. In addition, this alteration is predicted to be neutral by in silico analysis (Choi Y et al. PLoS ONE. 2012; 7(10):e46688). Since supporting evidence is limited at this time, the clinical significance of this alteration remains unclear.